The following is an entry in ClinVar:

ClinVar aggregate classification (germline): Uncertain significance (1 of 4 stars; one submission).

Submission:

Labcorp Genetics (formerly Invitae), Labcorp
Classification: Uncertain significance. Last evaluated: 2024-10-17. Review status: criteria provided, single submitter. Criteria: Invitae Variant Classification Sherloc (09022015). Collection method: clinical testing. Allele origin: germline.
Comment: This sequence change creates a premature translational stop signal (p.Arg734Glufs*8) in the DDX58 gene. It is expected to result in an absent or disrupted protein product. However, the current clinical and genetic evidence is not sufficient to establish whether loss-of-function variants in DDX58 cause disease. This variant is present in population databases (rs764494800, gnomAD 0.002%). This variant has not been reported in the literature in individuals affected with DDX58-related conditions. In summary, the available evidence is currently insufficient to determine the role of this variant in disease. Therefore, it has been classified as a Variant of Uncertain Significance.

NM_014314.4(RIGI):c.2200del (p.Arg734fs)

Gene: RIGI (RNA sensor RIG-I; minus strand). Cytogenetic location: 9p21.1.
Variant type: Deletion.
Coding change: c.2200del on transcript NM_014314.4 (MANE Select); coding-DNA position 2200, one base deleted (A; older notation c.2200delA).
Protein change: p.Arg734fs; shifts the reading frame from arginine 734.
Molecular consequence: frameshift variant.
Genome position (GRCh38, 1-based): chr9:32,466,427, T deleted on the plus strand (A on the coding strand, the reverse complement: RIGI is on the minus strand); the first of 2 consecutive T bases (chr9:32,466,427-32,466,428); deleting either gives the same sequence. VCF-style (leftmost placement, unchanged base first): chr9-32466426-CT-C. GRCh37 (hg19) VCF-style: chr9-32466424-CT-C.
Other names: c.2194del, p.Arg732fs (NM_001385907.1); c.2029del, p.Arg677fs (NM_001385909.1); c.1759del, p.Arg587fs (NM_001385910.1); c.1591del, p.Arg531fs (NM_001385912.1); c.2185del, p.Arg729fs (NM_001385913.1); c.1756del, p.Arg586fs (NM_001385914.1); short protein forms R729fs, R732fs, R531fs, R587fs, R586fs, R677fs, R734fs.
Identifiers: ClinVar variation 2796834 (VCV002796834.3), dbSNP rs764494800, ClinGen allele CA5019560.